The following is an entry in ClinVar:

ClinVar aggregate classification (germline): Uncertain significance (1 of 4 stars; one submission).

Allele frequency attached by ClinVar (database versions not stated): gnomAD exomes below 0.00001.
gnomAD v4.1: 1 of 1,613,548 alleles (0.000062%); no homozygotes.

Submission:

Ambry Genetics
Classification: Uncertain significance. Last evaluated: 2022-11-19. Review status: criteria provided, single submitter. Criteria: Ambry Variant Classification Scheme 2023. Collection method: clinical testing. Allele origin: germline.
Comment: The p.E241G variant (also known as c.722A>G), located in coding exon 8 of the NPAT gene, results from an A to G substitution at nucleotide position 722. The glutamic acid at codon 241 is replaced by glycine, an amino acid with similar properties. This amino acid position is conserved. In addition, this alteration is predicted to be tolerated by in silico analysis. Since supporting evidence is limited at this time, the clinical significance of this alteration remains unclear.

NM_002519.3(NPAT):c.722A>G (p.Glu241Gly)

Gene: NPAT (nuclear protein, coactivator of histone transcription; minus strand). Cytogenetic location: 11q22.3.
Variant type: single nucleotide variant.
Coding change: c.722A>G on transcript NM_002519.3 (MANE Select); coding-DNA position 722, A replaced by G.
Protein change: p.Glu241Gly; replaces glutamic acid 241 with glycine.
Molecular consequence: missense variant.
Genome position (GRCh38, 1-based): chr11:108,186,486, T>C on the plus strand (A>G on the coding strand, the complement: NPAT is on the minus strand). VCF-style: chr11-108186486-T-C. GRCh37 (hg19) VCF-style: chr11-108057213-T-C.
Other names: c.722A>G, p.Glu241Gly (NM_001321307.1); short protein forms E241G.
Identifiers: ClinVar variation 2453734 (VCV002453734.2), dbSNP rs1456450312, ClinGen allele CA382522113.